The following is an entry in ClinVar:

ClinVar aggregate classification (germline): Uncertain significance. Review status: criteria provided, multiple submitters, no conflicts (2 of 4 stars). 4 submissions from 3 submitters: Uncertain significance (4). Last evaluated 2024-08-27.

Conditions:
Inborn genetic diseases. Identifiers: MedGen C0950123, MeSH D030342.
Spondylocostal dysostosis 1, autosomal recessive (SCDO1). Also called: DLL3-Related Spondylocostal Dysostosis, Autosomal Recessive. Identifiers: Orphanet 2311, MedGen CN032975, MONDO:0020692, OMIM 277300.
Syndactyly. Also called: Webbed fingers or toes. Identifiers: MedGen C0039075, MONDO:0021002, HP:0001159.

Allele frequency attached by ClinVar (database versions not stated): ExAC 0.00001; gnomAD exomes 0.00001; gnomAD 0.00002.

Submissions (4):

Ambry Genetics
Classification: Uncertain significance for Inborn genetic diseases. Last evaluated: 2024-08-27. Review status: criteria provided, single submitter. Criteria: Ambry Variant Classification Scheme 2023. Collection method: clinical testing. Allele origin: germline.

Labcorp Genetics (formerly Invitae), Labcorp
Classification: Uncertain significance. Last evaluated: 2021-07-29. Review status: criteria provided, single submitter. Criteria: Invitae Variant Classification Sherloc (09022015). Collection method: clinical testing. Allele origin: germline.
Comment: This sequence change replaces proline with arginine at codon 593 of the DLL3 protein (p.Pro593Arg). The proline residue is moderately conserved and there is a moderate physicochemical difference between proline and arginine. This variant is present in population databases (rs778339882, ExAC 0.002%). This variant has not been reported in the literature in individuals affected with DLL3-related conditions. ClinVar contains an entry for this variant (Variation ID: 329240). Algorithms developed to predict the effect of missense changes on protein structure and function (SIFT, PolyPhen-2, Align-GVGD) all suggest that this variant is likely to be tolerated. In summary, the available evidence is currently insufficient to determine the role of this variant in disease. Therefore, it has been classified as a Variant of Uncertain Significance.

Illumina Laboratory Services, Illumina
Classification: Uncertain significance for Non-syndromic syndactyly. Last evaluated: 2018-01-13. Review status: criteria provided, single submitter. Criteria: ICSL Variant Classification Criteria 13 December 2019. Collection method: clinical testing. Allele origin: germline.

Illumina Laboratory Services, Illumina
Classification: Uncertain significance for Spondylocostal dysostosis 1, autosomal recessive. Last evaluated: 2018-01-13. Review status: criteria provided, single submitter. Criteria: ICSL Variant Classification Criteria 13 December 2019. Collection method: clinical testing. Allele origin: germline.

NM_203486.3(DLL3):c.1758+20C>G

Gene: DLL3 (delta like canonical Notch ligand 3; plus strand). Cytogenetic location: 19q13.2.
Variant type: single nucleotide variant.
Coding change: c.1758+20C>G on transcript NM_203486.3 (MANE Select); 20 bases into the intron after coding-DNA position 1758, C replaced by G.
Molecular consequence: intron variant. On other transcripts: missense variant (1).
Genome position (GRCh38, 1-based): chr19:39,507,934, C>G. VCF-style: chr19-39507934-C-G. GRCh37 (hg19) VCF-style: chr19-39998574-C-G.
Other names: c.1778C>G, p.Pro593Arg (NM_016941.4); short protein forms P593R.
Identifiers: ClinVar variation 329240 (VCV000329240.8), dbSNP rs778339882, ClinGen allele CA9432533.